The following is an entry in ClinVar:

ClinVar aggregate classification (germline): Conflicting classifications of pathogenicity. Review status: criteria provided, conflicting classifications (1 of 4 stars). 3 submissions from 3 submitters: Uncertain significance (2); Likely benign (1). Last evaluated 2025-07-17.

Conditions:
Hereditary cancer-predisposing syndrome. Also called: Tumor predisposition; Neoplastic Syndromes, Hereditary; Hereditary neoplastic syndrome; Hereditary Cancer Syndrome. Identifiers: Orphanet 140162, MedGen C0027672, MeSH D009386, MONDO:0015356.
BAP1-related tumor predisposition syndrome (TPDS1). Also called: Tumor susceptibility linked to germline BAP1 mutations; BAP1 tumor predisposition syndrome; COMMON Syndrome; TUMOR PREDISPOSITION SYNDROME 1. Identifiers: Orphanet 289539, MedGen C3280492, MONDO:0013692, OMIM 614327.

Submissions (3):

Labcorp Genetics (formerly Invitae), Labcorp
Classification: Uncertain significance for BAP1-related tumor predisposition syndrome. Last evaluated: 2025-07-17. Review status: criteria provided, single submitter. Criteria: Invitae Variant Classification Sherloc (09022015). Collection method: clinical testing. Allele origin: germline.
Comment: This sequence change replaces leucine, which is neutral and non-polar, with phenylalanine, which is neutral and non-polar, at codon 159 of the BAP1 protein (p.Leu159Phe). This variant is not present in population databases (gnomAD no frequency). This variant has not been reported in the literature in individuals affected with BAP1-related conditions. ClinVar contains an entry for this variant (Variation ID: 630838). Invitae Evidence Modeling of protein sequence and biophysical properties (such as structural, functional, and spatial information, amino acid conservation, physicochemical variation, residue mobility, and thermodynamic stability) indicates that this missense variant is not expected to disrupt BAP1 protein function with a negative predictive value of 80%. In summary, the available evidence is currently insufficient to determine the role of this variant in disease. Therefore, it has been classified as a Variant of Uncertain Significance.

Ambry Genetics
Classification: Likely benign for Hereditary cancer-predisposing syndrome. Last evaluated: 2025-04-03. Review status: criteria provided, single submitter. Criteria: Ambry Variant Classification Scheme 2023. Collection method: clinical testing. Allele origin: germline.

Color Diagnostics, LLC DBA Color Health
Classification: Uncertain significance for Hereditary cancer-predisposing syndrome. Last evaluated: 2023-12-05. Review status: criteria provided, single submitter. Criteria: ACMG Guidelines, 2015. Collection method: clinical testing. Allele origin: germline.
Comment: This missense variant replaces leucine with phenylalanine at codon 159 of the BAP1 protein. Computational prediction suggests that this variant may not impact protein structure and function (internally defined REVEL score threshold <= 0.5, PMID: 27666373). To our knowledge, functional studies have not been reported for this variant. This variant has not been reported in individuals affected with BAP1-related disorders in the literature. This variant has not been identified in the general population by the Genome Aggregation Database (gnomAD). The available evidence is insufficient to determine the role of this variant in disease conclusively. Therefore, this variant is classified as a Variant of Uncertain Significance.

NM_004656.4(BAP1):c.475C>T (p.Leu159Phe)

Gene: BAP1 (BRCA1 associated deubiquitinase 1; minus strand). Cytogenetic location: 3p21.1.
Variant type: single nucleotide variant.
Coding change: c.475C>T on transcript NM_004656.4 (MANE Select); coding-DNA position 475, C replaced by T.
Protein change: p.Leu159Phe; replaces leucine 159 with phenylalanine.
Molecular consequence: missense variant.
Genome position (GRCh38, 1-based): chr3:52,407,279, G>A on the plus strand (C>T on the coding strand, the complement: BAP1 is on the minus strand). VCF-style: chr3-52407279-G-A. GRCh37 (hg19) VCF-style: chr3-52441295-G-A.
Other names: short protein forms L159F.
Identifiers: ClinVar variation 630838 (VCV000630838.15), dbSNP rs1559590603, ClinGen allele CA353110197.